The following is an entry in ClinVar:

ClinVar aggregate classification (germline): Uncertain significance (1 of 4 stars; one submission).

Conditions:
Tay-Sachs disease (TSD). Also called: HEXA Disorders; Hexosaminidase A Deficiency; HEXA DEFICIENCY; GM2 gangliosidosis, type 1; Hexosaminidase alpha-subunit deficiency (variant B); Sphingolipidosis, Tay-Sachs. Identifiers: Orphanet 845, MedGen C0039373, MONDO:0010100, OMIM 272800.

gnomAD v4.1: 2 of 1,613,934 alleles (0.00012%); highest among the groups gnomAD compares: Non-Finnish European, 0.00017%; no homozygotes.

Submission:

Labcorp Genetics (formerly Invitae), Labcorp
Classification: Uncertain significance for Tay-Sachs disease. Last evaluated: 2025-11-25. Review status: criteria provided, single submitter. Criteria: Invitae Variant Classification Sherloc (09022015). Collection method: clinical testing. Allele origin: germline.
Comment: This sequence change replaces glycine, which is neutral and non-polar, with glutamic acid, which is acidic and polar, at codon 461 of the HEXA protein (p.Gly461Glu). This variant is present in population databases (rs375019490, gnomAD 0.0009%). This variant has not been reported in the literature in individuals affected with HEXA-related conditions. Invitae Evidence Modeling of protein sequence and biophysical properties (such as structural, functional, and spatial information, amino acid conservation, physicochemical variation, residue mobility, and thermodynamic stability) indicates that this missense variant is expected to disrupt HEXA protein function with a positive predictive value of 95%. In summary, the available evidence is currently insufficient to determine the role of this variant in disease. Therefore, it has been classified as a Variant of Uncertain Significance.

NM_000520.6(HEXA):c.1382G>A (p.Gly461Glu)

Gene: HEXA (hexosaminidase subunit alpha; minus strand). Cytogenetic location: 15q23.
Variant type: single nucleotide variant.
Coding change: c.1382G>A on transcript NM_000520.6 (MANE Select); coding-DNA position 1382, G replaced by A.
Protein change: p.Gly461Glu; replaces glycine 461 with glutamic acid.
Molecular consequence: missense variant. On other transcripts: non-coding transcript variant (1).
Genome position (GRCh38, 1-based): chr15:72,346,274, C>T on the plus strand (G>A on the coding strand, the complement: HEXA is on the minus strand). VCF-style: chr15-72346274-C-T. GRCh37 (hg19) VCF-style: chr15-72638615-C-T.
Other names: c.1415G>A, p.Gly472Glu (NM_001318825.2); short protein forms G461E, G472E.
Identifiers: ClinVar variation 4777398 (VCV004777398.1).
Genomic context (GRCh38, chr15:72,346,274, plus strand): 5'-CTCCCCCCCGAAAACCCTTACCAGAGCCTGGGGACCAGGTTTGTGTTGTCCACATATTCT[C>T]CCCACATACAAGCCTCTCCACCAATCACCAGAGCCTTCTGCTCAGGGGTACCTGAGGGAA-3'
Protein context (NP_000511.2, residues 451-471): LVIGGEACMW[Gly461Glu]EYVDNTNLVP